The following is an entry in ClinVar:

NM_015386.3(COG4):c.369+5T>G

Gene: COG4 (component of oligomeric golgi complex 4; minus strand). Cytogenetic location: 16q22.1.
Variant type: single nucleotide variant.
Coding change: c.369+5T>G on transcript NM_015386.3 (MANE Select); 5 bases into the intron after coding-DNA position 369, T replaced by G.
Molecular consequence: intron variant.
Genome position (GRCh38, 1-based): chr16:70,517,621, A>C on the plus strand (T>G on the coding strand, the complement: COG4 is on the minus strand). VCF-style: chr16-70517621-A-C. GRCh37 (hg19) VCF-style: chr16-70551524-A-C.
Other names: c.357+5T>G (NM_001195139.2); c.-231+5T>G (NM_001365426.1).
Identifiers: ClinVar variation 3349277 (VCV003349277.1).

ClinVar aggregate classification (germline): Likely benign (0 of 4 stars; one submission).

Conditions:
COG4-related disorder. Also called: COG4-related condition.

Submission:

PreventionGenetics, part of Exact Sciences
Classification: Likely benign for COG4-related condition. Last evaluated: 2024-03-29. Review status: no assertion criteria provided. Collection method: clinical testing. Allele origin: germline.
Comment: This variant is classified as likely benign based on ACMG/AMP sequence variant interpretation guidelines (Richards et al. 2015 PMID: 25741868, with internal and published modifications).